The following is an entry in ClinVar:

ClinVar aggregate classification (germline): Likely benign (1 of 4 stars; one submission).

Submission:

CeGaT Center for Human Genetics Tuebingen
Classification: Likely benign. Last evaluated: 2025-08-01. Review status: criteria provided, single submitter. Criteria: CeGaT Center For Human Genetics Tuebingen Variant Classification Criteria Version 2. Collection method: clinical testing. Allele origin: germline. Affected: yes. Observed: 1 variant allele.
Comment: WT1: PM2:Supporting, BP4, BP7

NM_024426.6(WT1):c.516G>A (p.Gln172=)

Genes: WT1 (WT1 transcription factor; minus strand), LOC107982234 (WT1/WT1-AS bi-directional promoter region; plus strand). Cytogenetic location: 11p13.
Variant type: single nucleotide variant.
Coding change: c.516G>A on transcript NM_024426.6 (MANE Select); coding-DNA position 516, G replaced by A.
Protein change: p.Gln172=; no amino-acid change (glutamine 172 retained).
Molecular consequence: synonymous variant. On other transcripts: non-coding transcript variant (2).
Genome position (GRCh38, 1-based): chr11:32,434,845, C>T on the plus strand (G>A on the coding strand, the complement: WT1 is on the minus strand). VCF-style: chr11-32434845-C-T. GRCh37 (hg19) VCF-style: chr11-32456391-C-T.
Other names: c.516G>A, p.Gln172= (NM_000378.6, NM_001407044.1, NM_001407045.1 and 6 more transcripts); c.297G>A, p.Gln99= (NM_001429031.1, NM_001429032.1, NM_001429033.1 and 1 more transcripts).
Identifiers: ClinVar variation 4085746 (VCV004085746.8).